The following is an entry in ClinVar:

ClinVar aggregate classification (germline): Uncertain significance. Review status: criteria provided, multiple submitters, no conflicts (2 of 4 stars). 2 submissions from 2 submitters: Uncertain significance (2). Last evaluated 2025-09-28.

Conditions:
Inborn genetic diseases. Identifiers: MedGen C0950123, MeSH D030342.

Allele frequency attached by ClinVar (database versions not stated): ExAC 0.00001; gnomAD 0.00003; TOPMed 0.00005.
gnomAD v4.1: 9 of 1,613,066 alleles (0.00056%); highest among the groups gnomAD compares: Admixed American, 0.015%; no homozygotes.

Submissions (2):

Ambry Genetics
Classification: Uncertain significance for Inborn genetic diseases. Last evaluated: 2025-09-28. Review status: criteria provided, single submitter. Criteria: Ambry Variant Classification Scheme 2023. Collection method: clinical testing. Allele origin: germline.

Labcorp Genetics (formerly Invitae), Labcorp
Classification: Uncertain significance. Last evaluated: 2023-04-27. Review status: criteria provided, single submitter. Criteria: Invitae Variant Classification Sherloc (09022015). Collection method: clinical testing. Allele origin: germline.
Comment: In summary, the available evidence is currently insufficient to determine the role of this variant in disease. Therefore, it has been classified as a Variant of Uncertain Significance. Algorithms developed to predict the effect of missense changes on protein structure and function output the following: SIFT: "Not Available"; PolyPhen-2: "Benign"; Align-GVGD: "Not Available". The lysine amino acid residue is found in multiple mammalian species, which suggests that this missense change does not adversely affect protein function. This variant has not been reported in the literature in individuals affected with PDE3A-related conditions. This variant is present in population databases (rs768083291, gnomAD 0.01%). This sequence change replaces arginine, which is basic and polar, with lysine, which is basic and polar, at codon 268 of the PDE3A protein (p.Arg268Lys).

NM_000921.5(PDE3A):c.803G>A (p.Arg268Lys)

Genes: PDE3A (phosphodiesterase 3A; plus strand), PDE3A-AS1 (PDE3A antisense RNA 1; minus strand). Cytogenetic location: 12p12.2.
Variant type: single nucleotide variant.
Coding change: c.803G>A on transcript NM_000921.5 (MANE Select); coding-DNA position 803, G replaced by A.
Protein change: p.Arg268Lys; replaces arginine 268 with lysine.
Molecular consequence: missense variant. On other transcripts: non-coding transcript variant (1), 5 prime UTR variant (1).
Genome position (GRCh38, 1-based): chr12:20,370,087, G>A. VCF-style: chr12-20370087-G-A. GRCh37 (hg19) VCF-style: chr12-20523021-G-A.
Other names: c.803G>A (NM_000921.4); c.803G>A, p.Arg268Lys (NM_001378407.1); c.-226G>A (NM_001378408.1); short protein forms R268K.
Identifiers: ClinVar variation 2897947 (VCV002897947.4), dbSNP rs768083291, ClinGen allele CA6473529.